The following is an entry in ClinVar:

ClinVar aggregate classification (germline): Uncertain significance (1 of 4 stars; one submission).

Conditions:
Ataxia-telangiectasia syndrome (AT). Also called: Ataxia-telangiectasia, complementation group D; AT, COMPLEMENTATION GROUP C; Ataxia-telangiectasia, complementation group E; Cerebello-oculocutaneous telangiectasia; Immunodeficiency with ataxia telangiectasia; ATAXIA-TELANGIECTASIA, COMPLEMENTATION GROUP A. Identifiers: Orphanet 100, MedGen C0004135, MONDO:0008840, OMIM 208900.

Submission:

Labcorp Genetics (formerly Invitae), Labcorp
Classification: Uncertain significance for Ataxia-telangiectasia syndrome. Last evaluated: 2018-02-01. Review status: criteria provided, single submitter. Criteria: Invitae Variant Classification Sherloc (09022015). Collection method: clinical testing. Allele origin: germline.
Comment: This variant is a gross duplication of the genomic region encompassing exons 14-63 of the ATM gene. The 5' boundary is likely confined to intron 13. The 3' end of this event is unknown as it extends beyond the assayed region for this gene and therefore may encompass additional genes. The exact location of this variant in the genome is unknown. This variant has not been reported in the literature in individuals with a ATM-related disease. In summary, the available evidence is currently insufficient to determine the role of this variant in disease. Therefore, it has been classified as a Variant of Uncertain Significance.

NC_000011.9:g.(?_108126936)_(108236241_?)dup

Genes: ATM (ATM serine/threonine kinase; plus strand), C11orf65 (chromosome 11 open reading frame 65; minus strand), LOC128772356 (melanoma risk locus-associated MPRA allelic enhancer 11:108140516; plus strand), LOC129390354 (MPRA-validated peak1451 silencer; plus strand). Cytogenetic location: 11q22.3.
Variant type: Duplication.
Identifiers: ClinVar variation 584204 (VCV000584204.1).